The following is an entry in ClinVar:

ClinVar aggregate classification (germline): Uncertain significance (1 of 4 stars; one submission).

gnomAD v4.1: 5 of 1,613,048 alleles (0.00031%); highest among the groups gnomAD compares: African/African-American, 0.0013%; no homozygotes.

Submission:

Labcorp Genetics (formerly Invitae), Labcorp
Classification: Uncertain significance. Last evaluated: 2024-12-08. Review status: criteria provided, single submitter. Criteria: Invitae Variant Classification Sherloc (09022015). Collection method: clinical testing. Allele origin: germline.
Comment: This sequence change affects codon 1508 of the DUOX2 mRNA. It is a 'silent' change, meaning that it does not change the encoded amino acid sequence of the DUOX2 protein. This variant also falls at the last nucleotide of exon 33, which is part of the consensus splice site for this exon. This variant is present in population databases (no rsID available, gnomAD 0.007%). This variant has not been reported in the literature in individuals affected with DUOX2-related conditions. Variants that disrupt the consensus splice site are a relatively common cause of aberrant splicing (PMID: 17576681, 9536098). Algorithms developed to predict the effect of sequence changes on RNA splicing suggest that this variant may disrupt the consensus splice site. In summary, the available evidence is currently insufficient to determine the role of this variant in disease. Therefore, it has been classified as a Variant of Uncertain Significance.

Literature cited by the submitters: PubMed 17576681; PubMed 9536098.

NM_001363711.2(DUOX2):c.4524G>A (p.Gln1508=)

Gene: DUOX2 (dual oxidase 2; minus strand). Cytogenetic location: 15q21.1.
Variant type: single nucleotide variant.
Coding change: c.4524G>A on transcript NM_001363711.2 (MANE Select); coding-DNA position 4524, G replaced by A.
Protein change: p.Gln1508=; no amino-acid change (glutamine 1508 retained).
Molecular consequence: synonymous variant.
Genome position (GRCh38, 1-based): chr15:45,094,563, C>T on the plus strand (G>A on the coding strand, the complement: DUOX2 is on the minus strand). VCF-style: chr15-45094563-C-T. GRCh37 (hg19) VCF-style: chr15-45386761-C-T.
Other names: c.4524G>A, p.Gln1508= (NM_014080.5).
Identifiers: ClinVar variation 3607212 (VCV003607212.2).